The following is an entry in ClinVar:

NM_001379500.1(COL18A1):c.34C>G (p.Arg12Gly)

Genes: BNAT1 (breast cancer associated ESR1 regulating natural antisense transcript 1; minus strand), COL18A1 (collagen type XVIII alpha 1 chain; plus strand). Cytogenetic location: 21q22.3.
Variant type: single nucleotide variant.
Coding change: c.34C>G on transcript NM_001379500.1 (MANE Select); coding-DNA position 34, C replaced by G.
Protein change: p.Arg12Gly; replaces arginine 12 with glycine.
Molecular consequence: missense variant.
Genome position (GRCh38, 1-based): chr21:45,405,401, C>G. VCF-style: chr21-45405401-C-G. GRCh37 (hg19) VCF-style: chr21-46825316-C-G.
Other names: short protein forms R12G.
Identifiers: ClinVar variation 2049969 (VCV002049969.4), dbSNP rs755007342, ClinGen allele CA410620302.

ClinVar aggregate classification (germline): Uncertain significance (1 of 4 stars; one submission).

Submission:

Labcorp Genetics (formerly Invitae), Labcorp
Classification: Uncertain significance. Last evaluated: 2022-08-23. Review status: criteria provided, single submitter. Criteria: Invitae Variant Classification Sherloc (09022015). Collection method: clinical testing. Allele origin: germline.
Comment: This sequence change replaces arginine, which is basic and polar, with glycine, which is neutral and non-polar, at codon 12 of the COL18A1 protein (p.Arg12Gly). This variant is not present in population databases (gnomAD no frequency). This variant has not been reported in the literature in individuals affected with COL18A1-related conditions. Experimental studies and prediction algorithms are not available or were not evaluated, and the functional significance of this variant is currently unknown. In summary, the available evidence is currently insufficient to determine the role of this variant in disease. Therefore, it has been classified as a Variant of Uncertain Significance.